The following is an entry in ClinVar:

ClinVar aggregate classification (germline): Uncertain significance (1 of 4 stars; one submission).

Submission:

Labcorp Genetics (formerly Invitae), Labcorp
Classification: Uncertain significance. Last evaluated: 2022-04-22. Review status: criteria provided, single submitter. Criteria: Invitae Variant Classification Sherloc (09022015). Collection method: clinical testing. Allele origin: germline.
Comment: Algorithms developed to predict the effect of missense changes on protein structure and function output the following: SIFT: "Tolerated"; PolyPhen-2: "Benign"; Align-GVGD: "Class C0". The histidine amino acid residue is found in multiple mammalian species, which suggests that this missense change does not adversely affect protein function. This variant has not been reported in the literature in individuals affected with MPDZ-related conditions. This variant is not present in population databases (gnomAD no frequency). This sequence change replaces glutamine, which is neutral and polar, with histidine, which is basic and polar, at codon 640 of the MPDZ protein (p.Gln640His). In summary, the available evidence is currently insufficient to determine the role of this variant in disease. Therefore, it has been classified as a Variant of Uncertain Significance.

NM_001378778.1(MPDZ):c.1920A>T (p.Gln640His)

Gene: MPDZ (multiple PDZ domain crumbs cell polarity complex component; minus strand). Cytogenetic location: 9p23.
Variant type: single nucleotide variant.
Coding change: c.1920A>T on transcript NM_001378778.1 (MANE Select); coding-DNA position 1920, A replaced by T.
Protein change: p.Gln640His; replaces glutamine 640 with histidine.
Molecular consequence: missense variant.
Genome position (GRCh38, 1-based): chr9:13,192,179, T>A on the plus strand (A>T on the coding strand, the complement: MPDZ is on the minus strand). VCF-style: chr9-13192179-T-A. GRCh37 (hg19) VCF-style: chr9-13192178-T-A.
Other names: c.1920A>T, p.Gln640His (NM_001261406.2, NM_001261407.2, NM_001330637.2 and 14 more transcripts); short protein forms Q640H.
Identifiers: ClinVar variation 2129062 (VCV002129062.4), dbSNP rs2494371852, ClinGen allele CA372939234.